The following is an entry in ClinVar:

ClinVar aggregate classification (germline): Uncertain significance. Review status: criteria provided, multiple submitters, no conflicts (2 of 4 stars). 2 submissions from 2 submitters: Uncertain significance (2). Last evaluated 2025-08-30.

Conditions:
Immunodeficiency 132A. Also called: Herpes simplex encephalitis, susceptibility to, 3. Identifiers: Orphanet 1930, MedGen C3553868, MONDO:0013920, OMIM 614849.

Allele frequency attached by ClinVar (database versions not stated): gnomAD exomes 0.00001; TOPMed 0.00005; gnomAD 0.00007; 1000 Genomes Project 30x 0.00016.
gnomAD v4.1: 20 of 1,614,016 alleles (0.0012%); highest among the groups gnomAD compares: African/African-American, 0.019%; no homozygotes.

Submissions (2):

Ambry Genetics
Classification: Uncertain significance. Last evaluated: 2025-08-30. Review status: criteria provided, single submitter. Criteria: Ambry Variant Classification Scheme 2023. Collection method: clinical testing. Allele origin: germline.

Labcorp Genetics (formerly Invitae), Labcorp
Classification: Uncertain significance for Immunodeficiency 132A. Last evaluated: 2025-07-29. Review status: criteria provided, single submitter. Criteria: Invitae Variant Classification Sherloc (09022015). Collection method: clinical testing. Allele origin: germline.
Comment: This sequence change replaces glutamine, which is neutral and polar, with histidine, which is basic and polar, at codon 14 of the TRAF3 protein (p.Gln14His). This variant is present in population databases (no rsID available, gnomAD 0.01%). This variant has not been reported in the literature in individuals affected with TRAF3-related conditions. ClinVar contains an entry for this variant (Variation ID: 837604). An algorithm developed to predict the effect of missense changes on protein structure and function (PolyPhen-2) suggests that this variant is likely to be tolerated. In summary, the available evidence is currently insufficient to determine the role of this variant in disease. Therefore, it has been classified as a Variant of Uncertain Significance.

NM_145725.3(TRAF3):c.42G>C (p.Gln14His)

Gene: TRAF3 (TNF receptor associated factor 3; plus strand). Cytogenetic location: 14q32.32.
Variant type: single nucleotide variant.
Coding change: c.42G>C on transcript NM_145725.3 (MANE Select); coding-DNA position 42, G replaced by C.
Protein change: p.Gln14His; replaces glutamine 14 with histidine.
Molecular consequence: missense variant.
Genome position (GRCh38, 1-based): chr14:102,870,243, G>C. VCF-style: chr14-102870243-G-C. GRCh37 (hg19) VCF-style: chr14-103336580-G-C.
Other names: c.42G>C, p.Gln14His (NM_001199427.2, NM_001385142.1, NM_001385143.1 and 2 more transcripts); short protein forms Q14H.
Identifiers: ClinVar variation 837604 (VCV000837604.11), dbSNP rs1013802030, ClinGen allele CA267124521.